The following is an entry in ClinVar:

NM_138370.3(PKDCC):c.1475C>T (p.Ser492Phe)

Gene: PKDCC (protein kinase domain containing, cytoplasmic; plus strand). Cytogenetic location: 2p21.
Variant type: single nucleotide variant.
Coding change: c.1475C>T on transcript NM_138370.3 (MANE Select); coding-DNA position 1475, C replaced by T.
Protein change: p.Ser492Phe; replaces serine 492 with phenylalanine.
Molecular consequence: missense variant.
Genome position (GRCh38, 1-based): chr2:42,057,681, C>T. VCF-style: chr2-42057681-C-T. GRCh37 (hg19) VCF-style: chr2-42284821-C-T.
Other names: c.1475C>T (NM_138370.2); short protein forms S492F.
Identifiers: ClinVar variation 1490731 (VCV001490731.5), dbSNP rs772850359, ClinGen allele CA1628264.

ClinVar aggregate classification (germline): Uncertain significance. Review status: criteria provided, multiple submitters, no conflicts (2 of 4 stars). 2 submissions from 2 submitters: Uncertain significance (2). Last evaluated 2025-02-27.

Conditions:
Inborn genetic diseases. Identifiers: MedGen C0950123, MeSH D030342.

Allele frequency attached by ClinVar (database versions not stated): gnomAD exomes below 0.00001 and 0.00001; gnomAD 0.00002; ExAC 0.00003; TOPMed 0.00004.
gnomAD v4.1: 5 of 1,613,604 alleles (0.00031%); highest among the groups gnomAD compares: African/African-American, 0.0053%; no homozygotes.

Submissions (2):

Ambry Genetics
Classification: Uncertain significance for Inborn genetic diseases. Last evaluated: 2025-02-27. Review status: criteria provided, single submitter. Criteria: Ambry Variant Classification Scheme 2023. Collection method: clinical testing. Allele origin: germline.

Labcorp Genetics (formerly Invitae), Labcorp
Classification: Uncertain significance. Last evaluated: 2025-02-03. Review status: criteria provided, single submitter. Criteria: Invitae Variant Classification Sherloc (09022015). Collection method: clinical testing. Allele origin: germline.
Comment: This sequence change replaces serine, which is neutral and polar, with phenylalanine, which is neutral and non-polar, at codon 492 of the PKDCC protein (p.Ser492Phe). This variant is present in population databases (rs772850359, gnomAD 0.01%). This variant has not been reported in the literature in individuals affected with PKDCC-related conditions. ClinVar contains an entry for this variant (Variation ID: 1490731). An algorithm developed to predict the effect of missense changes on protein structure and function (PolyPhen-2) suggests that this variant is likely to be disruptive. In summary, the available evidence is currently insufficient to determine the role of this variant in disease. Therefore, it has been classified as a Variant of Uncertain Significance.